The following is an entry in ClinVar:

ClinVar aggregate classification (germline): Benign/Likely benign. Review status: criteria provided, multiple submitters, no conflicts (2 of 4 stars). 8 submissions from 8 submitters: Benign (7); Likely benign (1). Last evaluated 2026-03-27.

Conditions:
Cardiovascular phenotype. Identifiers: MedGen CN230736.

Allele frequency attached by ClinVar (database versions not stated): ESP Exome Variant Server 0.00015; gnomAD 0.00411 and 0.00450; TOPMed 0.00421; ExAC 0.00692; 1000 Genomes Project 30x 0.00765; 1000 Genomes Project 0.00779; gnomAD exomes 0.00859.
gnomAD v4.1: 4,786 of 1,613,696 alleles (0.3%); highest among the groups gnomAD compares: Admixed American, 4.4%; 130 homozygotes.

Submissions (8):

Molecular Diagnostic Laboratory for Inherited Cardiovascular Disease, Montreal Heart Institute
Classification: Benign. Last evaluated: 2026-03-27. Review status: criteria provided, single submitter. Criteria: ACMG Guidelines, 2015. Collection method: clinical testing. Allele origin: germline. Affected: no.

Labcorp Genetics (formerly Invitae), Labcorp
Classification: Benign. Last evaluated: 2026-02-04. Review status: criteria provided, single submitter. Criteria: Invitae Variant Classification Sherloc (09022015). Collection method: clinical testing. Allele origin: germline.

Blueprint Genetics
Classification: Likely benign. Last evaluated: 2024-11-25. Review status: criteria provided, single submitter. Criteria: ACMG Guidelines, 2015. Collection method: clinical testing. Allele origin: germline.

Women's Health and Genetics/Laboratory Corporation of America, LabCorp
Classification: Benign. Last evaluated: 2023-04-09. Review status: criteria provided, single submitter. Criteria: LabCorp Variant Classification Summary - May 2015. Collection method: clinical testing. Allele origin: germline.

Mayo Clinic Laboratories, Mayo Clinic
Classification: Benign. Last evaluated: 2022-04-26. Review status: criteria provided, single submitter. Criteria: ACMG Guidelines, 2015. Collection method: clinical testing. Allele origin: germline. Observed: 5 variant alleles.

Ambry Genetics
Classification: Benign for Cardiovascular phenotype. Last evaluated: 2019-02-12. Review status: criteria provided, single submitter. Criteria: Ambry Variant Classification Scheme 2023. Collection method: clinical testing. Allele origin: germline.

GeneDx
Classification: Benign. Last evaluated: 2016-11-02. Review status: criteria provided, single submitter. Criteria: GeneDx Variant Classification (06012015). Collection method: clinical testing. Allele origin: germline. Affected: yes.
Comment: This variant is considered likely benign or benign based on one or more of the following criteria: it is a conservative change, it occurs at a poorly conserved position in the protein, it is predicted to be benign by multiple in silico algorithms, and/or has population frequency not consistent with disease.

Breakthrough Genomics
Classification: Benign. Review status: criteria provided, single submitter. Criteria: ACMG Guidelines, 2015. Collection method: not provided. Allele origin: germline. Inheritance: Autosomal recessive inheritance. Affected: yes.

NM_020778.5(ALPK3):c.1710T>C (p.Asp570=)

Gene: ALPK3 (alpha kinase 3; plus strand). Cytogenetic location: 15q25.3.
Variant type: single nucleotide variant.
Coding change: c.1710T>C on transcript NM_020778.5 (MANE Select); coding-DNA position 1710, T replaced by C.
Protein change: p.Asp570=; no amino-acid change (aspartic acid 570 retained).
Molecular consequence: synonymous variant.
Genome position (GRCh38, 1-based): chr15:84,856,448, T>C. VCF-style: chr15-84856448-T-C. GRCh37 (hg19) VCF-style: chr15-85399679-T-C.
Other names: p.Asp772=.
Identifiers: ClinVar variation 384809 (VCV000384809.17), dbSNP rs56005718, ClinGen allele CA7709278.